The following is an entry in ClinVar:

NM_033380.3(COL4A5):c.438+5G>A

Gene: COL4A5 (collagen type IV alpha 5 chain; plus strand). Cytogenetic location: Xq22.3.
Variant type: single nucleotide variant.
Coding change: c.438+5G>A on transcript NM_033380.3 (MANE Select); 5 bases into the intron after coding-DNA position 438, G replaced by A.
Molecular consequence: intron variant.
Genome position (GRCh38, 1-based): chrX:108,571,471, G>A. VCF-style: chrX-108571471-G-A. GRCh37 (hg19) VCF-style: chrX-107814701-G-A.
Other names: c.438+5G>A (NM_000495.5).
Identifiers: ClinVar variation 2138681 (VCV002138681.5), dbSNP rs281874739, ClinGen allele CA258248.
Genomic context (GRCh38, chrX:108,571,471, plus strand): 5'-AGGGAGAACGTGGATTTCCAGGCAGTCCCGGTTTTCCTGGTTTACAGGGTCCTCCAGTAA[G>A]TTATAAAATTTGGGATTATGATGAACACAGGAATTAACAAAAGAAGCAGAAATGTAGTGA-3'

ClinVar aggregate classification (germline): Likely pathogenic. Review status: criteria provided, multiple submitters, no conflicts (2 of 4 stars). 2 submissions from 2 submitters: Likely pathogenic (2). Last evaluated 2024-09-30.

Conditions:
COL4A5-related disorders.

Submissions (2):

Labcorp Genetics (formerly Invitae), Labcorp
Classification: Likely pathogenic. Last evaluated: 2024-09-30. Review status: criteria provided, single submitter. Criteria: Invitae Variant Classification Sherloc (09022015). Collection method: clinical testing. Allele origin: germline.
Comment: This sequence change falls in intron 7 of the COL4A5 gene. It does not directly change the encoded amino acid sequence of the COL4A5 protein. It affects a nucleotide within the consensus splice site. This variant is not present in population databases (gnomAD no frequency). This variant has been observed in individuals with clinical features of COL4A5-related conditions (PMID: 31937884, 36553470; internal data). It has also been observed to segregate with disease in related individuals. ClinVar contains an entry for this variant (Variation ID: 2138681). Variants that disrupt the consensus splice site are a relatively common cause of aberrant splicing (PMID: 17576681, 9536098). Algorithms developed to predict the effect of sequence changes on RNA splicing suggest that this variant may disrupt the consensus splice site. In summary, the currently available evidence indicates that the variant is pathogenic, but additional data are needed to prove that conclusively. Therefore, this variant has been classified as Likely Pathogenic.

Blueprint Genetics
Classification: Likely pathogenic for COL4A5-related disorders. Last evaluated: 2023-12-21. Review status: criteria provided, single submitter. Criteria: ACMG Guidelines, 2015. Collection method: clinical testing. Allele origin: germline. Affected: yes. Observed: 1 variant allele.

Literature cited by the submitters: PubMed 31937884 (cited by Labcorp Genetics (formerly Invitae), Labcorp); PubMed 36553470 (cited by Labcorp Genetics (formerly Invitae), Labcorp); PubMed 17576681 (cited by Labcorp Genetics (formerly Invitae), Labcorp); PubMed 9536098 (cited by Labcorp Genetics (formerly Invitae), Labcorp).